The following is an entry in ClinVar:

NM_007294.4(BRCA1):c.5373G>A (p.Val1791=)

Gene: BRCA1 (BRCA1 DNA repair associated; minus strand). Cytogenetic location: 17q21.31.
Variant type: single nucleotide variant.
Coding change: c.5373G>A on transcript NM_007294.4 (MANE Select); coding-DNA position 5373, G replaced by A.
Protein change: p.Val1791=; no amino-acid change (valine 1791 retained).
Molecular consequence: synonymous variant. On other transcripts: intron variant (19).
Genome position (GRCh38, 1-based): chr17:43,049,154, C>T on the plus strand (G>A on the coding strand, the complement: BRCA1 is on the minus strand). VCF-style: chr17-43049154-C-T. GRCh37 (hg19) VCF-style: chr17-41201171-C-T.
Other names: c.5226G>A, p.Val1742= (NM_001407845.1, NM_001407846.1, NM_001407847.1 and 12 more transcripts); c.5172G>A, p.Val1724= (NM_001407862.1); c.5169G>A, p.Val1723= (NM_001407863.1); c.5166G>A, p.Val1722= (NM_001407874.1, NM_001407875.1); c.5163G>A, p.Val1721= (NM_001407879.1, NM_001407881.1, NM_001407882.1 and 5 more transcripts); c.5160G>A, p.Val1720= (NM_001407894.1, NM_001407895.1, NM_001407896.1 and 12 more transcripts); c.5157G>A, p.Val1719= (NM_001407915.1, NM_001407916.1, NM_001407917.1 and 1 more transcripts); c.5109G>A, p.Val1703= (NM_001407920.1, NM_001407921.1, NM_001407922.1 and 4 more transcripts); and 84 more.
Identifiers: ClinVar variation 868036 (VCV000868036.11), dbSNP rs2051083029, ClinGen allele CA500143298.
Genomic context (GRCh38, chr17:43,049,154, plus strand): 5'-CTCTCTGACAGGGCACCCAATACTTACTGTGCCAAGGGTGAATGATGAAAGCTCCTTCAC[C>T]ACAGAAGCACCACACAGCTGTACCATCCATTCCAGTTGATCTAAAATGGACATTTAGATG-3'
Protein context (NP_009225.1, residues 1781-1801): EWMVQLCGAS[Val1791=]VKELSSFTLG

ClinVar aggregate classification (germline): Likely benign (1 of 4 stars; one submission).

Conditions:
Hereditary breast ovarian cancer syndrome. Also called: Hereditary breast and ovarian cancer; Hereditary breast and ovarian cancer syndrome (HBOC); Breast and ovarian cancer; Hereditary breast and/or ovarian cancer syndrome; BRCA1- and BRCA2-Associated Hereditary Breast and Ovarian Cancer; Hereditary breast and ovarian cancer syndrome. Identifiers: Orphanet 145, MedGen C0677776, MeSH D061325, MONDO:0003582. Disease mechanism: loss of function.

Submissions (2):

Labcorp Genetics (formerly Invitae), Labcorp
Classification: Likely benign for Hereditary breast ovarian cancer syndrome. Last evaluated: 2021-06-29. Review status: criteria provided, single submitter. Criteria: Invitae Variant Classification Sherloc (09022015). Collection method: clinical testing. Allele origin: germline.

Brotman Baty Institute, University of Washington
No classification provided (evidence only). Condition: Breast-ovarian cancer, familial 1. Review status: no classification provided. Collection method: in vitro. Allele origin: not applicable. Functional consequence: functionally_normal. Not counted in ClinVar's aggregate classification.
ClinVar note: "not provided" was previously submitted as the classification for the variant. However, the classification appeared to be based only on an observation of functional data so it was converted to no classification on 2025-07-30.